The following is an entry in ClinVar:

NM_001852.4(COL9A2):c.186+6T>G

Gene: COL9A2 (collagen type IX alpha 2 chain; minus strand). Cytogenetic location: 1p34.2.
Variant type: single nucleotide variant.
Coding change: c.186+6T>G on transcript NM_001852.4 (MANE Select); 6 bases into the intron after coding-DNA position 186, T replaced by G.
Molecular consequence: intron variant.
Genome position (GRCh38, 1-based): chr1:40,314,346, A>C on the plus strand (T>G on the coding strand, the complement: COL9A2 is on the minus strand). VCF-style: chr1-40314346-A-C. GRCh37 (hg19) VCF-style: chr1-40780018-A-C.
Identifiers: ClinVar variation 3893208 (VCV003893208.1).

ClinVar aggregate classification (germline): Uncertain significance (1 of 4 stars; one submission).

Conditions:
Epiphyseal dysplasia, multiple, 2 (EDM2). Also called: COL9A2-Related Multiple Epiphyseal Dysplasia. Identifiers: MedGen C1838429, MONDO:0010844, OMIM 600204.

Submission:

Hacettepe Pediatric Genetics Laboratory, Hacettepe University
Classification: Uncertain significance for Epiphyseal dysplasia, multiple, 2. Last evaluated: 2025-04-23. Review status: criteria provided, single submitter. Criteria: ACMG Guidelines, 2015. Collection method: clinical testing. Allele origin: paternal. Inheritance: Autosomal dominant inheritance. Affected: yes. Observed: 1 heterozygote.
Comment: According to the ACMG criteria, this variant is classified as a Variant of Uncertain Significance (VUS). However, it has supporting evidence for its potential pathogenicity. Specifically, for this splicing region variant, computational prediction tools unanimously indicate a deleterious effect on the gene (PP3). The diagnosis was established through whole exome sequencing (WES), and other differential diagnoses were ruled out.

Literature cited by the submitters: PubMed 20358595.